The following is an entry in ClinVar:

ClinVar aggregate classification (germline): Conflicting classifications of pathogenicity. Review status: criteria provided, conflicting classifications (1 of 4 stars). 2 submissions from 2 submitters: Uncertain significance (1); Benign (1). Last evaluated 2024-10-09.

Conditions:
Hereditary cancer-predisposing syndrome. Also called: Neoplastic Syndromes, Hereditary; Tumor predisposition; Hereditary Cancer Syndrome; Hereditary neoplastic syndrome. Identifiers: Orphanet 140162, MedGen C0027672, MeSH D009386, MONDO:0015356.
Familial cancer of breast. Also called: BREAST CANCER, FAMILIAL; Hereditary breast cancer; hereditary breast carcinoma. Identifiers: Orphanet 227535, MedGen C0346153, MONDO:0016419, OMIM 114480. Disease mechanism: loss of function.

Allele frequency attached by ClinVar (database versions not stated): gnomAD exomes 0.00001.
gnomAD v4.1: 5 of 1,592,934 alleles (0.00031%); highest among the groups gnomAD compares: Non-Finnish European, 0.00042%; no homozygotes.

Submissions (2):

Myriad Genetics, Inc.
Classification: Benign for Familial cancer of breast. Last evaluated: 2024-10-09. Review status: criteria provided, single submitter. Criteria: Myriad Autosomal Dominant, Autosomal Recessive and X-Linked Classification Criteria (2023). Collection method: clinical testing. Allele origin: unknown.
Comment: This variant is considered benign. This variant occurs in the non-coding 3' untranslated region of the gene, and is not expected to impact protein function.

Color Diagnostics, LLC DBA Color Health
Classification: Uncertain significance for Hereditary cancer-predisposing syndrome. Last evaluated: 2018-11-09. Review status: criteria provided, single submitter. Criteria: ACMG Guidelines, 2015. Collection method: clinical testing. Allele origin: germline.

NM_007194.4(CHEK2):c.*10T>G

Gene: CHEK2 (checkpoint kinase 2; minus strand). Cytogenetic location: 22q12.1.
Variant type: single nucleotide variant.
Coding change: c.*10T>G on transcript NM_007194.4 (MANE Select); 10 bases downstream of the stop codon, T replaced by G.
Molecular consequence: 3 prime UTR variant.
Genome position (GRCh38, 1-based): chr22:28,687,887, A>C on the plus strand (T>G on the coding strand, the complement: CHEK2 is on the minus strand). VCF-style: chr22-28687887-A-C. GRCh37 (hg19) VCF-style: chr22-29083875-A-C.
Other names: c.*10T>G (NM_001005735.3, NM_001257387.3, NM_001349956.3 and 1 more transcripts).
Identifiers: ClinVar variation 925314 (VCV000925314.3), dbSNP rs2052178966, ClinGen allele CA913189011.